The following is an entry in ClinVar:

ClinVar aggregate classification (germline): Pathogenic/Likely pathogenic. Review status: criteria provided, multiple submitters, no conflicts (2 of 4 stars). 5 submissions from 5 submitters: Pathogenic (2); Likely pathogenic (3). Last evaluated 2025-12-08.

Conditions:
Inherited phaeochromocytoma and paraganglioma excluding NF1.
Hereditary cancer-predisposing syndrome. Also called: Tumor predisposition; Hereditary Cancer Syndrome; Hereditary neoplastic syndrome; Neoplastic Syndromes, Hereditary. Identifiers: Orphanet 140162, MedGen C0027672, MeSH D009386, MONDO:0015356.
Hereditary leiomyomatosis and renal cell cancer. Also called: LEIOMYOMA, MULTIPLE CUTANEOUS; Reed syndrome; Multiple cutaneous and uterine leiomyomatosis; Cutaneous leiomyomata with uterine leiomyomata; Leiomyoma, hereditary multiple, of skin; Multiple cutaneous and uterine leiomyomata. Identifiers: Orphanet 523, MedGen C1708350, MONDO:0007888, OMIM 150800, HP:0007437. Disease mechanism: loss of function.

Submissions (5):

Ambry Genetics
Classification: Likely pathogenic for Hereditary cancer-predisposing syndrome. Last evaluated: 2025-12-08. Review status: criteria provided, single submitter. Criteria: Ambry Variant Classification Scheme 2023. Collection method: clinical testing. Allele origin: germline.
Comment: The p.F312L variant (also known as c.934T>C), located in coding exon 7 of the FH gene, results from a T to C substitution at nucleotide position 934. The phenylalanine at codon 312 is replaced by leucine, an amino acid with highly similar properties. This alteration has been observed in at least one individual with a personal and/or family history that is consistent with HLRCC-related disease (Ambry internal data). This variant co-segregated with disease in 4/4 individuals from one family tested in our laboratory. This amino acid position is highly conserved in available vertebrate species. In addition, this alteration is predicted to be deleterious by in silico analysis. This variant is considered to be rare based on population cohorts in the Genome Aggregation Database (gnomAD). Based on the majority of available evidence to date, this variant is likely to be pathogenic.

NHS Central & South Genomic Laboratory Hub
Classification: Likely pathogenic for Inherited phaeochromocytoma and paraganglioma excluding NF1. Last evaluated: 2025-10-21. Review status: criteria provided, single submitter. Criteria: ACMG Guidelines, 2015. Collection method: clinical testing. Allele origin: germline. Affected: yes.

Women's Health and Genetics/Laboratory Corporation of America, LabCorp
Classification: Pathogenic for Hereditary leiomyomatosis and renal cell cancer. Last evaluated: 2024-12-10. Review status: criteria provided, single submitter. Criteria: LabCorp Variant Classification Summary - May 2015. Collection method: clinical testing. Allele origin: germline.
Comment: Variant summary: FH c.934T>C (p.Phe312Leu) results in a non-conservative amino acid change located in the Fumarate lyase, N-terminal domain (IPR022761) of the encoded protein sequence. Five of five in-silico tools predict a damaging effect of the variant on protein function. Other amino acid variation at this codon (example, p.Phe321Ser and p.Phe312Cys) have been observed affected individuals supporting a critical relevance of this residue to FH protein function. The variant was absent in 251020 control chromosomes. The available data on variant occurrences in the general population are insufficient to allow any conclusion about variant significance. c.934T>C has been reported in the literature in an individual affected with features of Hereditary Leiomyomatosis And Renal Cell Cancer (Rabban_2019) and in at-least one family reporting co-segregation with disease (internal data). These data indicate that the variant is likely to be associated with disease. To our knowledge, no experimental evidence demonstrating an impact on protein function has been reported. ClinVar contains an entry for this variant (Variation ID: 214413). To our knowledge, this variant has not been reported in patients with AR Fumarate Hydratase Deficiency. Based on the evidence outlined above, this variant is pathogenic for AD Hereditary Leiomyomatosis And Renal Cell Cancer.

Labcorp Genetics (formerly Invitae), Labcorp
Classification: Pathogenic. Last evaluated: 2024-04-04. Review status: criteria provided, single submitter. Criteria: Invitae Variant Classification Sherloc (09022015). Collection method: clinical testing. Allele origin: germline.
Comment: This sequence change replaces phenylalanine, which is neutral and non-polar, with leucine, which is neutral and non-polar, at codon 312 of the FH protein (p.Phe312Leu). This variant is not present in population databases (gnomAD no frequency). This missense change has been observed in individual(s) with clinical features of hereditary leiomyomatosis and renal cell cancer (HLRCC) (Invitae). It has also been observed to segregate with disease in related individuals. ClinVar contains an entry for this variant (Variation ID: 214413). Advanced modeling of protein sequence and biophysical properties (such as structural, functional, and spatial information, amino acid conservation, physicochemical variation, residue mobility, and thermodynamic stability) performed at Invitae indicates that this missense variant is expected to disrupt FH protein function with a positive predictive value of 95%. This variant disrupts the p.Phe312 amino acid residue in FH. Other variant(s) that disrupt this residue have been determined to be pathogenic (PMID: 9635293; Invitae). This suggests that this residue is clinically significant, and that variants that disrupt this residue are likely to be disease-causing. For these reasons, this variant has been classified as Pathogenic.

GeneDx
Classification: Likely pathogenic. Last evaluated: 2016-10-18. Review status: criteria provided, single submitter. Criteria: GeneDx Variant Classification (06012015). Collection method: clinical testing. Allele origin: germline. Affected: yes.
Comment: The F312L variant that is likely pathogenic was identified in the FH gene. It has not been published as a pathogenic variant, nor has it been reported as a benign polymorphism to our knowledge. The F312L variant was not observed in approximately 6,500 individuals of European and African American ancestry in the NHLBI Exome Sequencing Project, indicating it is not a common benign variant in these populations. The F312L variant is a conservative amino acid substitution, which is not likely to impact secondary protein structure as these residues share similar properties. However, this substitution occurs at a position that is highly conserved across vertebrate species and in silico analyses predict this variant is probably damaging to the protein structure/function. Additionally, a missense variant in this same residue, F312S, has been reported in association with hereditary leiomyomatosis and renal cell cancer (HLRCC) (Gardie et al., 2011). Missense variants in nearby residues (L303S, A308T, N310Y, L315P, A317V, H318Y) have been reported with FH-related disease, supporting the functional importance of this region of the protein. Therefore, this variant is a strong candidate for being pathogenic, however the possibility that it is a benign variant cannot be excluded. The variant is found in FH panel(s).

Literature cited by the submitters: PubMed 21398687 (cited by Ambry Genetics); PubMed 9635293 (cited by Ambry Genetics and Labcorp Genetics (formerly Invitae), Labcorp); PubMed 30741757 (cited by Women's Health and Genetics/Laboratory Corporation of America, LabCorp).

NM_000143.4(FH):c.934T>C (p.Phe312Leu)

Gene: FH (fumarate hydratase; minus strand). Cytogenetic location: 1q43.
Variant type: single nucleotide variant.
Coding change: c.934T>C on transcript NM_000143.4 (MANE Select); coding-DNA position 934, T replaced by C.
Protein change: p.Phe312Leu; replaces phenylalanine 312 with leucine.
Molecular consequence: missense variant.
Genome position (GRCh38, 1-based): chr1:241,504,216, A>G on the plus strand (T>C on the coding strand, the complement: FH is on the minus strand). VCF-style: chr1-241504216-A-G. GRCh37 (hg19) VCF-style: chr1-241667516-A-G.
Other names: p.F312L:TTT>CTT; short protein forms F312L.
Identifiers: ClinVar variation 214413 (VCV000214413.16), dbSNP rs863224000, ClinGen allele CA322251.